The following is an entry in ClinVar:

NM_000303.3(PMM2):c.519del (p.Ser173_Ile174insTer)

Gene: PMM2 (phosphomannomutase 2; plus strand). Cytogenetic location: 16p13.2.
Variant type: Deletion.
Coding change: c.519del on transcript NM_000303.3 (MANE Select); coding-DNA position 519, one base deleted (C; older notation c.519delC).
Protein change: p.Ser173_Ile174insTer.
Molecular consequence: frameshift variant.
Genome position (GRCh38, 1-based): chr16:8,811,709, C deleted; the last of 2 consecutive C bases (chr16:8,811,708-8,811,709); deleting either gives the same sequence. VCF-style (leftmost placement, unchanged base first): chr16-8811707-TC-T. GRCh37 (hg19) VCF-style: chr16-8905564-TC-T.
Identifiers: ClinVar variation 4818140 (VCV004818140.1).
Genomic context (GRCh38, chr16:8,811,707, plus strand): 5'-ATAAGACAAAAGTTTGTAGCAGATCTACGGAAAGAGTTTGCTGGAAAAGGCCTCACGTTT[TC>T]CATAGGTATTGTATATATTGCCTGTGTTCCAAACTTGGATACCCATTTCCCAGAGTTTGT-3'

ClinVar aggregate classification (germline): Likely pathogenic (1 of 4 stars; one submission).

Conditions:
PMM2-congenital disorder of glycosylation. Also called: CDG Ia; PMM2-CDG; JAEKEN SYNDROME; PHOSPHOMANNOMUTASE 2 DEFICIENCY; CARBOHYDRATE-DEFICIENT GLYCOPROTEIN SYNDROME, TYPE Ia; Congenital disorder of glycosylation, type Ia. Identifiers: Orphanet 79318, MedGen C0349653, MONDO:0008907, OMIM 212065.

Submission:

Natera, Inc.
Classification: Likely pathogenic for Congenital disorder of glycosylation type 1a. Last evaluated: 2024-12-13. Review status: criteria provided, single submitter. Criteria: Natera Variant Classification Schema (03/2026). Collection method: clinical testing. Allele origin: germline.
Comment: The c.519del variant in PMM2 is a frameshift variant predicted to shift the reading frame and introduce a stop codon. This variant is expected to result in nonsense mediated decay, truncation, or a dysfunctional protein product. This variant is rare in the general population with a frequency below the threshold expected for the associated phenotype(s). Given the available evidence, this variant is classified as Likely Pathogenic.